The following is an entry in ClinVar:

ClinVar aggregate classification (germline): Uncertain significance (1 of 4 stars; one submission).

Allele frequency attached by ClinVar (database versions not stated): gnomAD exomes below 0.00001; ExAC 0.00001.

Submission:

GeneDx
Classification: Uncertain significance. Last evaluated: 2024-08-17. Review status: criteria provided, single submitter. Criteria: GeneDx Variant Classification Process June 2021. Collection method: clinical testing. Allele origin: germline. Affected: yes.
Comment: Not observed at a significant frequency in large population cohorts (gnomAD); In silico analysis, which includes protein predictors and evolutionary conservation, supports a deleterious effect; Has not been previously published as pathogenic or benign to our knowledge

NM_198407.2(GHSR):c.595C>G (p.Arg199Gly)

Gene: GHSR (growth hormone secretagogue receptor; minus strand). Cytogenetic location: 3q26.31.
Variant type: single nucleotide variant.
Coding change: c.595C>G on transcript NM_198407.2 (MANE Select); coding-DNA position 595, C replaced by G.
Protein change: p.Arg199Gly; replaces arginine 199 with glycine.
Molecular consequence: missense variant.
Genome position (GRCh38, 1-based): chr3:172,447,819, G>C on the plus strand (C>G on the coding strand, the complement: GHSR is on the minus strand). VCF-style: chr3-172447819-G-C. GRCh37 (hg19) VCF-style: chr3-172165609-G-C.
Other names: c.595C>G, p.Arg199Gly (NM_004122.2); short protein forms R199G.
Identifiers: ClinVar variation 1318569 (VCV001318569.3), dbSNP rs768503413, ClinGen allele CA2706439.